The following is an entry in ClinVar:

NM_006904.7(PRKDC):c.7787G>A (p.Arg2596His)

Gene: PRKDC (protein kinase, DNA-activated, catalytic subunit; minus strand). Cytogenetic location: 8q11.21.
Variant type: single nucleotide variant.
Coding change: c.7787G>A on transcript NM_006904.7 (MANE Select); coding-DNA position 7787, G replaced by A.
Protein change: p.Arg2596His; replaces arginine 2596 with histidine.
Molecular consequence: missense variant.
Genome position (GRCh38, 1-based): chr8:47,836,502, C>T on the plus strand (G>A on the coding strand, the complement: PRKDC is on the minus strand). VCF-style: chr8-47836502-C-T. GRCh37 (hg19) VCF-style: chr8-48749063-C-T.
Other names: c.7787G>A, p.Arg2596His (NM_001081640.2); c.7787G>A (NM_006904.6); short protein forms R2596H.
Identifiers: ClinVar variation 1375654 (VCV001375654.33), dbSNP rs201726098, ClinGen allele CA4740015.
Genomic context (GRCh38, chr8:47,836,502, plus strand): 5'-AGAGTGCCCTGGGAGGCCTGGGTCTCCACAAACATCGGAGTGAGAACAGTACTTCGGAAA[C>T]GCCAATCAGAATCAATGGTATATTCCTGTACATAAGAAAGTTTCAAATGAAATAAAGTTT-3'
Protein context (NP_008835.5, residues 2586-2606): FQEYTIDSDW[Arg2596His]FRSTVLTPMF

ClinVar aggregate classification (germline): Conflicting classifications of pathogenicity. Review status: criteria provided, conflicting classifications (1 of 4 stars). 4 submissions from 4 submitters: Uncertain significance (3); Likely benign (1). Last evaluated 2024-12-20.

Conditions:
Severe combined immunodeficiency due to DNA-PKcs deficiency. Also called: IMMUNODEFICIENCY 26 WITH NEUROLOGIC ABNORMALITIES; Immunodeficiency 26 with or without neurologic abnormalities. Identifiers: Orphanet 317425, MedGen C4014833, MONDO:0014423, OMIM 615966.

Allele frequency attached by ClinVar (database versions not stated): ESP Exome Variant Server 0.00008; gnomAD 0.00009; TOPMed 0.00009; 1000 Genomes Project 0.00020; 1000 Genomes Project 30x 0.00031.
gnomAD v4.1: 164 of 1,605,002 alleles (0.01%); highest among the groups gnomAD compares: South Asian, 0.039%; no homozygotes.

Submissions (4):

GeneDx
Classification: Uncertain significance. Last evaluated: 2024-12-20. Review status: criteria provided, single submitter. Criteria: GeneDx Variant Classification Process June 2021. Collection method: clinical testing. Allele origin: germline. Affected: yes.
Comment: In silico analysis supports that this missense variant has a deleterious effect on protein structure/function; This variant is associated with the following publications: (PMID: 31289279, 34009545)

Blueprint Genetics
Classification: Uncertain significance. Last evaluated: 2024-11-06. Review status: criteria provided, single submitter. Criteria: ACMG Guidelines, 2015. Collection method: clinical testing. Allele origin: germline.

CeGaT Center for Human Genetics Tuebingen
Classification: Likely benign. Last evaluated: 2022-11-01. Review status: criteria provided, single submitter. Criteria: CeGaT Center For Human Genetics Tuebingen Variant Classification Criteria Version 2. Collection method: clinical testing. Allele origin: germline. Affected: yes. Observed: 1 variant allele.
Comment: PRKDC: BP4, BP5, BS1

Labcorp Genetics (formerly Invitae), Labcorp
Classification: Uncertain significance for Severe combined immunodeficiency due to DNA-PKcs deficiency. Last evaluated: 2022-07-05. Review status: criteria provided, single submitter. Criteria: Invitae Variant Classification Sherloc (09022015). Collection method: clinical testing. Allele origin: germline.
Comment: This sequence change replaces arginine, which is basic and polar, with histidine, which is basic and polar, at codon 2596 of the PRKDC protein (p.Arg2596His). This variant is present in population databases (rs201726098, gnomAD 0.04%). This variant has not been reported in the literature in individuals affected with PRKDC-related conditions. ClinVar contains an entry for this variant (Variation ID: 1375654). Experimental studies and prediction algorithms are not available or were not evaluated, and the functional significance of this variant is currently unknown. In summary, the available evidence is currently insufficient to determine the role of this variant in disease. Therefore, it has been classified as a Variant of Uncertain Significance.